The following is an entry in ClinVar:

NM_002547.3(OPHN1):c.1138+4A>G

Gene: OPHN1 (oligophrenin 1; minus strand). Cytogenetic location: Xq12.
Variant type: single nucleotide variant.
Coding change: c.1138+4A>G on transcript NM_002547.3 (MANE Select); 4 bases into the intron after coding-DNA position 1138, A replaced by G.
Molecular consequence: intron variant.
Genome position (GRCh38, 1-based): chrX:68,194,461, T>C on the plus strand (A>G on the coding strand, the complement: OPHN1 is on the minus strand). VCF-style: chrX-68194461-T-C. GRCh37 (hg19) VCF-style: chrX-67414303-T-C.
Identifiers: ClinVar variation 3030984 (VCV003030984.2), dbSNP rs2519786138, ClinGen allele CA2693957429.

ClinVar aggregate classification (germline): Uncertain significance (0 of 4 stars; one submission).

Conditions:
OPHN1-related disorder.

Submission:

PreventionGenetics, part of Exact Sciences
Classification: Uncertain significance for OPHN1-related condition. Last evaluated: 2023-12-22. Review status: no assertion criteria provided. Collection method: clinical testing. Allele origin: germline.
Comment: The OPHN1 c.1138+4A>G variant is predicted to interfere with splicing. To our knowledge, this variant has not been reported in the literature or in a large population database, indicating this variant is rare. At this time, the clinical significance of this variant is uncertain due to the absence of conclusive functional and genetic evidence.